The following is an entry in ClinVar:

NM_000218.3(KCNQ1):c.1515-218A>G

Gene: KCNQ1 (potassium voltage-gated channel subfamily Q member 1; plus strand). Cytogenetic location: 11p15.5.
Variant type: single nucleotide variant.
Coding change: c.1515-218A>G on transcript NM_000218.3 (MANE Select); 218 bases into the intron before coding-DNA position 1515, A replaced by G.
Molecular consequence: intron variant.
Genome position (GRCh38, 1-based): chr11:2,768,626, A>G. VCF-style: chr11-2768626-A-G. GRCh37 (hg19) VCF-style: chr11-2789856-A-G.
Other names: c.1245-218A>G (NM_001406837.1); c.1419-218A>G (NM_001406836.1); c.975-218A>G (NM_001406838.1); c.1134-218A>G (NM_181798.2).
Identifiers: ClinVar variation 671897 (VCV000671897.4), dbSNP rs163161, ClinGen allele CA216314623.

ClinVar aggregate classification (germline): Benign. Review status: criteria provided, multiple submitters, no conflicts (2 of 4 stars). 2 submissions from 2 submitters: Benign (2). Last evaluated 2018-06-14.

Allele frequency attached by ClinVar (database versions not stated): TOPMed 0.99309; gnomAD 0.99394 and 0.99439; 1000 Genomes Project 0.99481; 1000 Genomes Project 30x 0.99532.
gnomAD v4.1: 151,425 of 152,272 alleles (99%); highest among the groups gnomAD compares: Middle Eastern, 100%; 75,296 homozygotes.

Submissions (2):

GeneDx
Classification: Benign. Last evaluated: 2018-06-14. Review status: criteria provided, single submitter. Criteria: GeneDx Variant Classification (06012015). Collection method: clinical testing. Allele origin: germline. Affected: yes.
Comment: This variant is considered likely benign or benign based on one or more of the following criteria: it is a conservative change, it occurs at a poorly conserved position in the protein, it is predicted to be benign by multiple in silico algorithms, and/or has population frequency not consistent with disease.

Breakthrough Genomics
Classification: Benign. Review status: criteria provided, single submitter. Criteria: ACMG Guidelines, 2015. Collection method: not provided. Allele origin: germline. Inheritance: Autosomal recessive inheritance. Affected: yes.